The following is an entry in ClinVar:

NM_005476.7(GNE):c.616G>A (p.Gly206Ser)

Gene: GNE (glucosamine (UDP-N-acetyl)-2-epimerase/N-acetylmannosamine kinase; minus strand). Cytogenetic location: 9p13.3.
Variant type: single nucleotide variant.
Coding change: c.616G>A on transcript NM_005476.7 (MANE Select); coding-DNA position 616, G replaced by A.
Protein change: p.Gly206Ser; replaces glycine 206 with serine.
Molecular consequence: missense variant.
Genome position (GRCh38, 1-based): chr9:36,246,031, C>T on the plus strand (G>A on the coding strand, the complement: GNE is on the minus strand). VCF-style: chr9-36246031-C-T. GRCh37 (hg19) VCF-style: chr9-36246028-C-T.
Other names: c.709G>A, p.Gly237Ser (NM_001128227.3); c.616G>A, p.Gly206Ser (NM_001190383.3); c.439G>A, p.Gly147Arg (NM_001190384.3); c.439G>A, p.Gly147Ser (NM_001190388.2, NM_001374798.1); c.616G>A, p.Gly206Arg (NM_001374797.1); c.709G>A (NM_001128227.2); short protein forms G206S, G237S, G147R, G206R, G147S.
Identifiers: ClinVar variation 497177 (VCV000497177.17), dbSNP rs766266918, ClinGen allele CA5056701.
Genomic context (GRCh38, chr9:36,246,031, plus strand): 5'-TAGACGGAACATTTTCTGACAAAAACAGCCATTAGACTGACTAAAGTCTGAGATACGTAC[C>T]TAGCCACATGCGAATGATGCTCATGTAGTCTTTGTTCTTGGCTGAGAGAAGTTTGTCATA-3'
Protein context (NP_005467.1, residues 196-216): DYMSIIRMWL[Gly206Ser]DDVKSKDYIV

ClinVar aggregate classification (germline): Conflicting classifications of pathogenicity. Review status: criteria provided, conflicting classifications (1 of 4 stars). 5 submissions from 5 submitters: Likely pathogenic (4); Uncertain significance (1). Last evaluated 2025-12-17.

Conditions:
GNE myopathy (NM). Also called: INCLUSION BODY MYOPATHY, HEREDITARY, AUTOSOMAL RECESSIVE; INCLUSION BODY MYOPATHY 2, AUTOSOMAL RECESSIVE; MYOPATHY, DISTAL, WITH OR WITHOUT RIMMED VACUOLES; IBM 2; Inclusion body myopathy autosomal recessive; Inclusion body myopathy quadriceps sparing. Identifiers: Orphanet 602, MedGen C1853926, MONDO:0011603, OMIM 605820.
Sialuria. Also called: Sialic Acid Storage Disease; SIALURIA, FRENCH TYPE. Identifiers: Orphanet 3166, MedGen C0342853, MONDO:0010028, OMIM 269921.
GNE-related disorders.

Allele frequency attached by ClinVar (database versions not stated): gnomAD exomes below 0.00001; ExAC 0.00001.

Submissions (6):

Natera, Inc.
Classification: Likely pathogenic for Nonaka myopathy. Last evaluated: 2025-12-17. Review status: criteria provided, single submitter. Criteria: Natera Variant Classification Schema (03/2026). Collection method: clinical testing. Allele origin: germline.
Comment: The c.709G>A variant in GNE is a missense variant predicted to cause substitution of glycine to serine at amino acid 237. This variant is rare in the general population with a frequency below the threshold expected for the associated phenotype(s). This variant has been observed in one or more individuals affected with the associated recessive disease, as either homozygous or compound heterozygous with a second variant (PMID: 39332896, 15146476, 17698786, 27858732, 39102614). Additionally, this variant has been observed to segregate in affected family members (PMID: 22231866). Computational prediction algorithms indicate this variant is likely to affect gene or protein function. Given the available evidence, this variant is classified as Likely Pathogenic.

Baylor Genetics
Classification: Likely pathogenic for GNE myopathy. Last evaluated: 2024-03-19. Review status: criteria provided, single submitter. Criteria: ACMG Guidelines, 2015. Collection method: clinical testing. Allele origin: unknown.

Blueprint Genetics
Classification: Likely pathogenic for GNE-related disorders. Last evaluated: 2023-09-25. Review status: criteria provided, single submitter. Criteria: ACMG Guidelines, 2015. Collection method: clinical testing. Allele origin: germline. Affected: yes. Observed: 1 variant allele.

Labcorp Genetics (formerly Invitae), Labcorp
Classification: Likely pathogenic for Sialuria; GNE myopathy. Last evaluated: 2021-06-16. Review status: criteria provided, single submitter. Criteria: Invitae Variant Classification Sherloc (09022015). Collection method: clinical testing. Allele origin: germline.
Comment: Algorithms developed to predict the effect of missense changes on protein structure and function are either unavailable or do not agree on the potential impact of this missense change (SIFT: "Deleterious"; PolyPhen-2: "Benign"; Align-GVGD: "Class C55"). This variant has been observed in individual(s) with autosomal recessive hereditary inclusion-body myopathy (PMID: 15146476). It has also been observed to segregate with disease in related individuals. It is also known as p.G206S in literature. ClinVar contains an entry for this variant (Variation ID: 497177). This variant is present in population databases (rs766266918, ExAC 0.001%). This sequence change replaces glycine with serine at codon 237 of the GNE protein (p.Gly237Ser). The glycine residue is highly conserved and there is a small physicochemical difference between glycine and serine. This variant also falls at the last nucleotide of exon 3 of the GNE coding sequence, which is part of the consensus splice site for this exon. Nucleotide substitutions within the consensus splice site are a relatively common cause of aberrant splicing (PMID: 17576681, 9536098). Algorithms developed to predict the effect of sequence changes on RNA splicing suggest that this variant may disrupt the consensus splice site, but this prediction has not been confirmed by published transcriptional studies. In summary, the currently available evidence indicates that the variant is pathogenic, but additional data are needed to prove that conclusively. Therefore, this variant has been classified as Likely Pathogenic.

Eurofins Ntd Llc (ga)
Classification: Uncertain significance. Last evaluated: 2016-10-19. Review status: criteria provided, single submitter. Criteria: EGL Classification Definitions 2015. Collection method: clinical testing. Allele origin: germline. Observed: 1 variant allele, 1 heterozygote.

Dr. Peter K. Rogan Lab, Western University
No classification provided (evidence only). Condition: Malignant tumor of urinary bladder. Review status: no classification provided. Collection method: in vitro. Allele origin: not applicable. Functional consequence: retained intron. Not counted in ClinVar's aggregate classification.

Literature cited by the submitters: PubMed 39332896 (cited by Natera, Inc.); PubMed 15146476 (cited by 3 submitters); PubMed 17698786 (cited by Natera, Inc.); PubMed 27858732 (cited by Natera, Inc.); PubMed 39102614 (cited by Natera, Inc.); PubMed 22231866 (cited by Natera, Inc.); PubMed 17576681 (cited by Labcorp Genetics (formerly Invitae), Labcorp); PubMed 9536098 (cited by Labcorp Genetics (formerly Invitae), Labcorp).